The following is an entry in ClinVar:

ClinVar aggregate classification (germline): Uncertain significance. Review status: criteria provided, multiple submitters, no conflicts (2 of 4 stars). 4 submissions from 4 submitters: Uncertain significance (3). 1 of the submissions does not count toward it. Last evaluated 2025-02-02.

Allele frequency attached by ClinVar (database versions not stated): gnomAD exomes below 0.00001; TOPMed below 0.00001.
gnomAD v4.1: 2 of 1,544,402 alleles (0.00013%); highest among the groups gnomAD compares: South Asian, 0.0011%; no homozygotes.

Submissions (4):

Labcorp Genetics (formerly Invitae), Labcorp
Classification: Uncertain significance. Last evaluated: 2025-02-02. Review status: criteria provided, single submitter. Criteria: Invitae Variant Classification Sherloc (09022015). Collection method: clinical testing. Allele origin: germline.
Comment: This sequence change replaces glycine, which is neutral and non-polar, with arginine, which is basic and polar, at codon 20 of the HNF1B protein (p.Gly20Arg). This variant is not present in population databases (gnomAD no frequency). This missense change has been observed in individual(s) with HNF1B-related conditions (PMID: 34741762). ClinVar contains an entry for this variant (Variation ID: 591835). Invitae Evidence Modeling of protein sequence and biophysical properties (such as structural, functional, and spatial information, amino acid conservation, physicochemical variation, residue mobility, and thermodynamic stability) has been performed for this missense variant. However, the output from this modeling did not meet the statistical confidence thresholds required to predict the impact of this variant on HNF1B protein function. In summary, the available evidence is currently insufficient to determine the role of this variant in disease. Therefore, it has been classified as a Variant of Uncertain Significance.

Women's Health and Genetics/Laboratory Corporation of America, LabCorp
Classification: Uncertain significance. Last evaluated: 2023-05-25. Review status: criteria provided, single submitter. Criteria: LabCorp Variant Classification Summary - May 2015. Collection method: clinical testing. Allele origin: germline.
Comment: Variant summary: HNF1B c.58G>A (p.Gly20Arg) results in a non-conservative amino acid change located in the Hepatocyte nuclear factor 1, N-terminal (IPR006899) of the encoded protein sequence. Five of five in-silico tools predict a damaging effect of the variant on protein function. The variant was absent in 250478 control chromosomes. The available data on variant occurrences in the general population are insufficient to allow any conclusion about variant significance. c.58G>A has been reported in the literature in individuals affected with Maturity Onset Diabetes Of The Young (Sampathkumar_2022). This report does not provide unequivocal conclusions about association of the variant with Maturity Onset Diabetes Of The Young 5 (Renal Cysts And Diabetes Syndrome). To our knowledge, no experimental evidence demonstrating an impact on protein function has been reported. The following publication have been ascertained in the context of this evaluation (PMID: 34741762). One clinical diagnostic laboratory has submitted clinical-significance assessments for this variant to ClinVar after 2014 without evidence for independent evaluation and classified the variant as uncertain significance. Based on the evidence outlined above, the variant was classified as uncertain significance.

Blueprint Genetics
Classification: Uncertain significance. Last evaluated: 2020-01-10. Review status: criteria provided, single submitter. Criteria: ACMG Guidelines, 2015. Collection method: clinical testing. Allele origin: germline.

Gharavi Laboratory, Columbia University
Classification: Uncertain significance. Last evaluated: 2018-09-16. Review status: no assertion criteria provided. Criteria: ACMG Guidelines, 2015. Collection method: research. Allele origin: germline. Affected: yes. Not counted in ClinVar's aggregate classification.

Literature cited by the submitters: PubMed 34741762 (cited by Labcorp Genetics (formerly Invitae), Labcorp and Women's Health and Genetics/Laboratory Corporation of America, LabCorp).

NM_000458.4(HNF1B):c.58G>A (p.Gly20Arg)

Gene: HNF1B (HNF1 homeobox B; minus strand). Cytogenetic location: 17q12.
Variant type: single nucleotide variant.
Coding change: c.58G>A on transcript NM_000458.4 (MANE Select); coding-DNA position 58, G replaced by A.
Protein change: p.Gly20Arg; replaces glycine 20 with arginine.
Molecular consequence: missense variant.
Genome position (GRCh38, 1-based): chr17:37,744,827, C>T on the plus strand (G>A on the coding strand, the complement: HNF1B is on the minus strand). VCF-style: chr17-37744827-C-T. GRCh37 (hg19) VCF-style: chr17-36104818-C-T.
Other names: c.58G>A (NM_000458.3); c.58G>A, p.Gly20Arg (NM_001165923.4, NM_001304286.2); short protein forms G20R.
Identifiers: ClinVar variation 591835 (VCV000591835.4), dbSNP rs1052557621, ClinGen allele CA398754853.